The following is an entry in ClinVar:

NM_018010.4(IFT57):c.838A>C (p.Lys280Gln)

Gene: IFT57 (intraflagellar transport 57; minus strand). Cytogenetic location: 3q13.12.
Variant type: single nucleotide variant.
Coding change: c.838A>C on transcript NM_018010.4 (MANE Select); coding-DNA position 838, A replaced by C.
Protein change: p.Lys280Gln; replaces lysine 280 with glutamine.
Molecular consequence: missense variant.
Genome position (GRCh38, 1-based): chr3:108,167,804, T>G on the plus strand (A>C on the coding strand, the complement: IFT57 is on the minus strand). VCF-style: chr3-108167804-T-G. GRCh37 (hg19) VCF-style: chr3-107886651-T-G.
Other names: short protein forms K280Q.
Identifiers: ClinVar variation 1985016 (VCV001985016.4), dbSNP rs765650032, ClinGen allele CA2526557.
Genomic context (GRCh38, chr3:108,167,804, plus strand): 5'-TCCACAGATGAGTAAATGTACATTGATTCACGTAAAGTAATTCATATACCTTGGTCTCCT[T>G]TAGAGCAGATTCAATTCCACTTCTGTGCTGGTGCATTTGGTCAACATGGATTCTCCAATC-3'
Protein context (NP_060480.1, residues 270-290): QHRSGIESAL[Lys280Gln]ETKGFLDKLH

ClinVar aggregate classification (germline): Uncertain significance (1 of 4 stars; one submission).

Allele frequency attached by ClinVar (database versions not stated): gnomAD exomes below 0.00001; gnomAD 0.00001; ExAC 0.00002.
gnomAD v4.1: 6 of 1,589,564 alleles (0.00038%); highest among the groups gnomAD compares: Non-Finnish European, 0.00051%; no homozygotes.

Submission:

Labcorp Genetics (formerly Invitae), Labcorp
Classification: Uncertain significance. Last evaluated: 2022-02-09. Review status: criteria provided, single submitter. Criteria: Invitae Variant Classification Sherloc (09022015). Collection method: clinical testing. Allele origin: germline.
Comment: In summary, the available evidence is currently insufficient to determine the role of this variant in disease. Therefore, it has been classified as a Variant of Uncertain Significance. Algorithms developed to predict the effect of sequence changes on RNA splicing suggest that this variant may create or strengthen a splice site. Algorithms developed to predict the effect of missense changes on protein structure and function (SIFT, PolyPhen-2, Align-GVGD) all suggest that this variant is likely to be tolerated. This variant has not been reported in the literature in individuals affected with IFT57-related conditions. This variant is present in population databases (rs765650032, gnomAD 0.004%). This sequence change replaces lysine, which is basic and polar, with glutamine, which is neutral and polar, at codon 280 of the IFT57 protein (p.Lys280Gln).